The following is an entry in ClinVar:

NM_016532.4(INPP5K):c.1215C>T (p.Thr405=)

Gene: INPP5K (inositol polyphosphate-5-phosphatase K; minus strand). Cytogenetic location: 17p13.3.
Variant type: single nucleotide variant.
Coding change: c.1215C>T on transcript NM_016532.4 (MANE Select); coding-DNA position 1215, C replaced by T.
Protein change: p.Thr405=; no amino-acid change (threonine 405 retained).
Molecular consequence: synonymous variant.
Genome position (GRCh38, 1-based): chr17:1,496,135, G>A on the plus strand (C>T on the coding strand, the complement: INPP5K is on the minus strand). VCF-style: chr17-1496135-G-A. GRCh37 (hg19) VCF-style: chr17-1399429-G-A.
Other names: c.987C>T, p.Thr329= (NM_001135642.2, NM_130766.3).
Identifiers: ClinVar variation 775158 (VCV000775158.5), dbSNP rs149432814, ClinGen allele CA8268320.

ClinVar aggregate classification (germline): Benign. Review status: criteria provided, single submitter (1 of 4 stars). 2 submissions from 2 submitters: Benign (1). 1 of the submissions does not count toward it. Last evaluated 2018-06-13.

Conditions:
INPP5K-related disorder. Also called: INPP5K-related condition.

Allele frequency attached by ClinVar (database versions not stated): gnomAD exomes 0.00005 and 0.00014; ExAC 0.00023; 1000 Genomes Project 30x 0.00031; 1000 Genomes Project 0.00040; gnomAD 0.00047 and 0.00052; TOPMed 0.00053; ESP Exome Variant Server 0.00092.
gnomAD v4.1: 150 of 1,612,874 alleles (0.0093%); highest among the groups gnomAD compares: African/African-American, 0.19%; no homozygotes.

Submissions (2):

Labcorp Genetics (formerly Invitae), Labcorp
Classification: Benign. Last evaluated: 2018-06-13. Review status: criteria provided, single submitter. Criteria: Invitae Variant Classification Sherloc (09022015). Collection method: clinical testing. Allele origin: germline.

PreventionGenetics, part of Exact Sciences
Classification: Likely benign for INPP5K-related condition. Last evaluated: 2019-11-18. Review status: no assertion criteria provided. Collection method: clinical testing. Allele origin: germline. Not counted in ClinVar's aggregate classification.
Comment: This variant is classified as likely benign based on ACMG/AMP sequence variant interpretation guidelines (Richards et al. 2015 PMID: 25741868, with internal and published modifications).